The following is an entry in ClinVar:

NM_001943.5(DSG2):c.503T>A (p.Val168Asp)

Gene: DSG2 (desmoglein 2; plus strand). Cytogenetic location: 18q12.1.
Variant type: single nucleotide variant.
Coding change: c.503T>A on transcript NM_001943.5 (MANE Select); coding-DNA position 503, T replaced by A.
Protein change: p.Val168Asp; replaces valine 168 with aspartic acid.
Molecular consequence: missense variant.
Genome position (GRCh38, 1-based): chr18:31,521,223, T>A. VCF-style: chr18-31521223-T-A. GRCh37 (hg19) VCF-style: chr18-29101186-T-A.
Other names: short protein forms V168D.
Identifiers: ClinVar variation 4015022 (VCV004015022.1).

ClinVar aggregate classification (germline): Uncertain significance (1 of 4 stars; one submission).

Conditions:
Cardiovascular phenotype. Identifiers: MedGen CN230736.

Submission:

Ambry Genetics
Classification: Uncertain significance for Cardiovascular phenotype. Last evaluated: 2025-05-17. Review status: criteria provided, single submitter. Criteria: Ambry Variant Classification Scheme 2023. Collection method: clinical testing. Allele origin: germline.
Comment: The p.V168D variant (also known as c.503T>A), located in coding exon 5 of the DSG2 gene, results from a T to A substitution at nucleotide position 503. The valine at codon 168 is replaced by aspartic acid, an amino acid with highly dissimilar properties. This amino acid position is conserved. In addition, this alteration is predicted to be deleterious by in silico analysis. Based on the available evidence, the clinical significance of this variant remains unclear.